The following is an entry in ClinVar:

ClinVar aggregate classification (germline): Uncertain significance (1 of 4 stars; one submission).

Submission:

GeneDx
Classification: Uncertain significance. Last evaluated: 2025-05-19. Review status: criteria provided, single submitter. Criteria: GeneDx Variant Classification Process June 2021. Collection method: clinical testing. Allele origin: germline. Affected: yes.
Comment: Not observed at significant frequency in large population cohorts (gnomAD); In silico analysis suggests that this missense variant does not alter protein structure/function; Has not been previously published as pathogenic or benign to our knowledge

NM_004655.4(AXIN2):c.829A>C (p.Ser277Arg)

Gene: AXIN2 (axin 2; minus strand). Cytogenetic location: 17q24.1.
Variant type: single nucleotide variant.
Coding change: c.829A>C on transcript NM_004655.4 (MANE Select); coding-DNA position 829, A replaced by C.
Protein change: p.Ser277Arg; replaces serine 277 with arginine.
Molecular consequence: missense variant.
Genome position (GRCh38, 1-based): chr17:65,549,647, T>G on the plus strand (A>C on the coding strand, the complement: AXIN2 is on the minus strand). VCF-style: chr17-65549647-T-G. GRCh37 (hg19) VCF-style: chr17-63545765-T-G.
Other names: c.829A>C, p.Ser277Arg (NM_001363813.1); short protein forms S277R.
Identifiers: ClinVar variation 4531099 (VCV004531099.1).
Genomic context (GRCh38, chr17:65,549,647, plus strand): 5'-CGCTGGTGGCTGGTGCAAAGACATAGCCAGAACCTATGTGATAAGGATTAACAGGATCGC[T>G]CCTCTTGAAGGACCTATGGGCAAAGTACAAAAGTGGTTCAGTCACTGACCCTCACCAGAA-3'
Protein context (NP_004646.3, residues 267-287): VDSGYRSFKR[Ser277Arg]DPVNPYHIGS